The following is an entry in ClinVar:

NM_007294.4(BRCA1):c.3761_3770del (p.Lys1254fs)

Genes: BRCA1 (BRCA1 DNA repair associated; minus strand), LOC126862571 (BRD4-independent group 4 enhancer GRCh37_chr17:41243136-41244335; plus strand). Cytogenetic location: 17q21.31.
Variant type: Deletion.
Coding change: c.3761_3770del on transcript NM_007294.4 (MANE Select); coding-DNA positions 3761 to 3770, 10 bases deleted (AGAACACAGA; older notation c.3761_3770delAGAACACAGA).
Protein change: p.Lys1254fs; shifts the reading frame from lysine 1254.
Molecular consequence: frameshift variant. On other transcripts: intron variant (135).
Genome position (GRCh38, 1-based): chr17:43,091,761-43,091,770, TCTGTGTTCT deleted on the plus strand (AGAACACAGA on the coding strand, the reverse complement: BRCA1 is on the minus strand); deleting any 10 consecutive bases within chr17:43,091,761-43,091,771 gives the same sequence; the c. name uses the placement nearest the transcript's 3' end. VCF-style (leftmost placement, unchanged base first): chr17-43091760-CTCTGTGTTCT-C. GRCh37 (hg19) VCF-style: chr17-41243777-CTCTGTGTTCT-C.
Other names: c.3428_3437del, p.Lys1143fs (NM_001407947.1, NM_001407948.1, NM_001407949.1 and 6 more transcripts); c.665-738_665-729del (NM_001408429.1, NM_001408442.1, NM_001408426.1 and 12 more transcripts); c.788-738_788-729del (NM_001407979.1, NM_001407977.1, NM_001407982.1 and 17 more transcripts); c.647-738_647-729del (NM_001408410.1, NM_001408458.1, NM_001408469.1 and 11 more transcripts); c.3425_3434del, p.Lys1142fs (NM_001407954.1, NM_001407955.1, NM_001407956.1 and 1 more transcripts); c.710-738_710-729del (NM_001408415.1, NM_001408412.1, NM_001408409.1 and 2 more transcripts); c.578-738_578-729del (NM_001408483.1, NM_001408481.1, NM_001408480.1 and 9 more transcripts); c.3380_3389del, p.Lys1127fs (NM_001407959.1, NM_001407960.1, NM_001407963.1); and 42 more; short protein forms K1186fs, K1207fs, K1127fs, K1187fs, K1206fs, K1212fs, K1228fs, K1251fs.
Identifiers: ClinVar variation 4625605 (VCV004625605.1).

ClinVar aggregate classification (germline): Pathogenic (1 of 4 stars; one submission).

Conditions:
Hereditary cancer-predisposing syndrome. Also called: Neoplastic Syndromes, Hereditary; Tumor predisposition; Hereditary Cancer Syndrome; Hereditary neoplastic syndrome. Identifiers: Orphanet 140162, MedGen C0027672, MeSH D009386, MONDO:0015356.

Submission:

Ambry Genetics
Classification: Pathogenic for Hereditary cancer-predisposing syndrome. Last evaluated: 2025-12-09. Review status: criteria provided, single submitter. Criteria: Ambry Variant Classification Scheme 2023. Collection method: clinical testing. Allele origin: germline.
Comment: The c.3761_3770del10 variant, located in coding exon 9 of the BRCA1 gene, results from a deletion of 10 nucleotides at nucleotide positions 3761 to 3770, causing a translational frameshift with a predicted alternate stop codon (p.K1254Rfs*7). This variant is considered to be rare based on population cohorts in the Genome Aggregation Database (gnomAD). This alteration is expected to result in loss of function by premature protein truncation or nonsense-mediated mRNA decay. As such, this alteration is interpreted as a disease-causing mutation.